The following is an entry in ClinVar:

NM_000388.4(CASR):c.11A>G (p.Tyr4Cys)

Gene: CASR (calcium sensing receptor; plus strand). Cytogenetic location: 3q21.1.
Variant type: single nucleotide variant.
Coding change: c.11A>G on transcript NM_000388.4 (MANE Select); coding-DNA position 11, A replaced by G.
Protein change: p.Tyr4Cys; replaces tyrosine 4 with cysteine.
Molecular consequence: missense variant.
Genome position (GRCh38, 1-based): chr3:122,254,200, A>G. VCF-style: chr3-122254200-A-G. GRCh37 (hg19) VCF-style: chr3-121973047-A-G.
Other names: c.11A>G, p.Tyr4Cys (NM_001178065.2); short protein forms Y4C.
Identifiers: ClinVar variation 567686 (VCV000567686.8), dbSNP rs1171102282, ClinGen allele CA354361936.

ClinVar aggregate classification (germline): Uncertain significance. Review status: criteria provided, multiple submitters, no conflicts (2 of 4 stars). 3 submissions from 3 submitters: Uncertain significance (3). Last evaluated 2023-10-28.

Conditions:
Nephrolithiasis/nephrocalcinosis. Identifiers: MedGen CN580796.
Autosomal dominant hypocalcemia 1 (HYPOC1). Also called: HYPOCALCEMIA, FAMILIAL. Identifiers: MedGen C3715128, MONDO:0011013, OMIM 601198.
Familial hypocalciuric hypercalcemia (FHH). Also called: Familial benign hypercalcemia. Identifiers: Orphanet 405, MedGen C1809471, MONDO:0018458.
Familial hypocalciuric hypercalcemia 1. Also called: Hypercalcemia, familial benign type 1. Identifiers: Orphanet 405, Orphanet 93372, MedGen C0342637, MONDO:0007791, OMIM 145980.

Allele frequency attached by ClinVar (database versions not stated): TOPMed 0.00001; gnomAD exomes 0.00001.
gnomAD v4.1: 9 of 1,613,048 alleles (0.00056%); highest among the groups gnomAD compares: East Asian, 0.0022%; no homozygotes.

Submissions (3):

Ambry Genetics
Classification: Uncertain significance for Nephrolithiasis/nephrocalcinosis. Last evaluated: 2023-10-28. Review status: criteria provided, single submitter. Criteria: Ambry Variant Classification Scheme 2023. Collection method: clinical testing. Allele origin: germline.
Comment: The p.Y4C variant (also known as c.11A>G), located in coding exon 1 of the CASR gene, results from an A to G substitution at nucleotide position 11. The tyrosine at codon 4 is replaced by cysteine, an amino acid with highly dissimilar properties. This amino acid position is conserved. In addition, the in silico prediction for this alteration is inconclusive. Since supporting evidence is limited at this time, the clinical significance of this alteration remains unclear.

Labcorp Genetics (formerly Invitae), Labcorp
Classification: Uncertain significance for Familial hypocalciuric hypercalcemia; Autosomal dominant hypocalcemia 1. Last evaluated: 2022-08-31. Review status: criteria provided, single submitter. Criteria: Invitae Variant Classification Sherloc (09022015). Collection method: clinical testing. Allele origin: germline.
Comment: This sequence change replaces tyrosine, which is neutral and polar, with cysteine, which is neutral and slightly polar, at codon 4 of the CASR protein (p.Tyr4Cys). This variant is not present in population databases (gnomAD no frequency). This variant has not been reported in the literature in individuals affected with CASR-related conditions. ClinVar contains an entry for this variant (Variation ID: 567686). Algorithms developed to predict the effect of missense changes on protein structure and function (SIFT, PolyPhen-2, Align-GVGD) all suggest that this variant is likely to be tolerated. In summary, the available evidence is currently insufficient to determine the role of this variant in disease. Therefore, it has been classified as a Variant of Uncertain Significance.

Mendelics
Classification: Uncertain significance for Familial hypocalciuric hypercalcemia 1. Last evaluated: 2019-05-28. Review status: criteria provided, single submitter. Criteria: Mendelics Assertion Criteria 2017. Collection method: clinical testing. Allele origin: unknown.